The following is an entry in ClinVar:

ClinVar aggregate classification (germline): Conflicting classifications of pathogenicity. Review status: criteria provided, conflicting classifications (1 of 4 stars). 3 submissions from 3 submitters: Uncertain significance (1); Likely benign (1). 1 of the submissions does not count toward it. Last evaluated 2024-11-07.

Conditions:
Multiple acyl-CoA dehydrogenase deficiency (MADD). Also called: Glutaric aciduria, type 2; Glutaric acidemia type II; GA 2; ETHYLMALONIC-ADIPICACIDURIA; GA II; Glutaric Acidemia type 2. Identifiers: Orphanet 26791, MedGen C0268596, MONDO:0009282, OMIM 231680.
ETFDH-related disorder. Also called: ETFDH-related condition.

Allele frequency attached by ClinVar (database versions not stated): TOPMed below 0.00001; gnomAD 0.00001; ExAC 0.00002; gnomAD exomes 0.00002 and 0.00004.
gnomAD v4.1: 62 of 1,545,966 alleles (0.004%); highest among the groups gnomAD compares: East Asian, 0.14%; no homozygotes.

Submissions (3):

Labcorp Genetics (formerly Invitae), Labcorp
Classification: Likely benign for Multiple acyl-CoA dehydrogenase deficiency. Last evaluated: 2024-11-07. Review status: criteria provided, single submitter. Criteria: Invitae Variant Classification Sherloc (09022015). Collection method: clinical testing. Allele origin: germline.

Illumina Laboratory Services, Illumina
Classification: Uncertain significance for Multiple acyl-CoA dehydrogenase deficiency. Last evaluated: 2018-01-13. Review status: criteria provided, single submitter. Criteria: ICSL Variant Classification Criteria 13 December 2019. Collection method: clinical testing. Allele origin: germline.

PreventionGenetics, part of Exact Sciences
Classification: Likely benign for ETFDH-related condition. Last evaluated: 2024-01-12. Review status: no assertion criteria provided. Collection method: clinical testing. Allele origin: germline. Not counted in ClinVar's aggregate classification.
Comment: This variant is classified as likely benign based on ACMG/AMP sequence variant interpretation guidelines (Richards et al. 2015 PMID: 25741868, with internal and published modifications).

NM_004453.4(ETFDH):c.414T>G (p.Leu138=)

Gene: ETFDH (electron transfer flavoprotein dehydrogenase; plus strand). Cytogenetic location: 4q32.1.
Variant type: single nucleotide variant.
Coding change: c.414T>G on transcript NM_004453.4 (MANE Select); coding-DNA position 414, T replaced by G.
Protein change: p.Leu138=; no amino-acid change (leucine 138 retained).
Molecular consequence: synonymous variant.
Genome position (GRCh38, 1-based): chr4:158,684,600, T>G. VCF-style: chr4-158684600-T-G. GRCh37 (hg19) VCF-style: chr4-159605752-T-G.
Other names: c.273T>G, p.Leu91= (NM_001281737.2); c.231T>G, p.Leu77= (NM_001281738.1); c.414T>G (NM_004453.3).
Identifiers: ClinVar variation 901901 (VCV000901901.15), dbSNP rs751256504, ClinGen allele CA3122354.
Genomic context (GRCh38, chr4:158,684,600, plus strand): 5'-TACACTTGCAAATATAAACTAAAAACATTTCTTTTTCTTCTTTTATTTCTAGGCTCCACT[T>G]AACACTCCTGTAACAGAAGACAGATTTGGAATTTTAACAGAGAAATACAGAATTCCTGTG-3'
Protein context (NP_004444.2, residues 128-148): FPDWKEKGAP[Leu138=]NTPVTEDRFG